The following is an entry in ClinVar:

NM_001368894.2(PAX6):c.44_45del (p.Phe15fs)

Gene: PAX6 (paired box 6; minus strand). Cytogenetic location: 11p13.
Variant type: Deletion.
Coding change: c.44_45del on transcript NM_001368894.2 (MANE Select); coding-DNA positions 44 to 45, 2 bases deleted (TT; older notation c.44_45delTT).
Protein change: p.Phe15fs; shifts the reading frame from phenylalanine 15.
Molecular consequence: frameshift variant. On other transcripts: 5 prime UTR variant (12), non-coding transcript variant (2), intron variant (2).
Genome position (GRCh38, 1-based): chr11:31,802,800-31,802,801, AA deleted on the plus strand (TT on the coding strand, the reverse complement: PAX6 is on the minus strand); deleting any 2 consecutive bases within chr11:31,802,800-31,802,802 gives the same sequence; the c. name uses the placement nearest the transcript's 3' end. VCF-style (leftmost placement, unchanged base first): chr11-31802799-CAA-C. GRCh37 (hg19) VCF-style: chr11-31824347-CAA-C.
Other names: c.44_45del, p.Phe15fs (NM_000280.6, NM_001127612.3, NM_001258462.3 and 30 more transcripts); c.-738_-737del (NM_001310160.2, NM_001368905.2); c.-407_-406del (NM_001310161.3, NM_001368900.2, NM_001368903.2 and 2 more transcripts); c.-365_-364del (NM_001368899.2, NM_001368901.2, NM_001368906.2 and 1 more transcripts); c.-696_-695del (NM_001368902.2); c.287_288del, p.Phe96fs (NM_001368910.2); c.47_48del, p.Phe16fs (NM_001368911.2); c.-267-1025_-267-1024del (NM_001368909.2, NM_001368904.2); short protein forms F15fs, F16fs, F96fs.
Identifiers: ClinVar variation 2925471 (VCV002925471.4), dbSNP rs2496306947, ClinGen allele CA2695213584.

ClinVar aggregate classification (germline): Pathogenic. Review status: criteria provided, multiple submitters, no conflicts (2 of 4 stars). 2 submissions from 2 submitters: Pathogenic (2). Last evaluated 2024-10-09.

Conditions:
PAX6-related disorder. Also called: PAX6-related disorders; PAX6-related condition.
Aniridia 1 (AN1). Identifiers: Orphanet 250923, MedGen C0344542, MONDO:0024507, OMIM 106210.
Irido-corneo-trabecular dysgenesis (ASGD5). Also called: ANTERIOR SEGMENT DYSGENESIS 5. Identifiers: Orphanet 708, MedGen C0344559, MONDO:0011414, OMIM 604229, HP:0000659.

Submissions (2):

Labcorp Genetics (formerly Invitae), Labcorp
Classification: Pathogenic for Aniridia 1; Irido-corneo-trabecular dysgenesis. Last evaluated: 2024-10-09. Review status: criteria provided, single submitter. Criteria: Invitae Variant Classification Sherloc (09022015). Collection method: clinical testing. Allele origin: germline.
Comment: This sequence change creates a premature translational stop signal (p.Phe15Cysfs*40) in the PAX6 gene. It is expected to result in an absent or disrupted protein product. Loss-of-function variants in PAX6 are known to be pathogenic (PMID: 12634864). This variant is not present in population databases (gnomAD no frequency). This premature translational stop signal has been observed in individual(s) with aniridia (PMID: 16803629). This variant is also known as 406delTT. For these reasons, this variant has been classified as Pathogenic.

Blueprint Genetics
Classification: Pathogenic for PAX6-related disorders. Last evaluated: 2022-10-12. Review status: criteria provided, single submitter. Criteria: ACMG Guidelines, 2015. Collection method: clinical testing. Allele origin: germline. Affected: yes. Observed: 1 variant allele.

Literature cited by the submitters: PubMed 12634864 (cited by Labcorp Genetics (formerly Invitae), Labcorp); PubMed 16803629 (cited by Labcorp Genetics (formerly Invitae), Labcorp).